The following is an entry in ClinVar:

NM_020806.5(GPHN):c.1198C>T (p.Pro400Ser)

Gene: GPHN (gephyrin; plus strand). Cytogenetic location: 14q23.3.
Variant type: single nucleotide variant.
Coding change: c.1198C>T on transcript NM_020806.5 (MANE Select); coding-DNA position 1198, C replaced by T.
Protein change: p.Pro400Ser; replaces proline 400 with serine.
Molecular consequence: missense variant.
Genome position (GRCh38, 1-based): chr14:67,089,036, C>T. VCF-style: chr14-67089036-C-T. GRCh37 (hg19) VCF-style: chr14-67555753-C-T.
Other names: c.1099C>T, p.Pro367Ser (NM_001024218.2); c.1258C>T, p.Pro420Ser (NM_001377514.1); c.1228C>T, p.Pro410Ser (NM_001377515.1); c.1219C>T, p.Pro407Ser (NM_001377516.1); c.1171C>T, p.Pro391Ser (NM_001377517.1); c.1156C>T, p.Pro386Ser (NM_001377518.1); c.1138C>T, p.Pro380Ser (NM_001377519.1); short protein forms P367S, P386S, P410S, P420S, P391S, P400S, P380S, P407S.
Identifiers: ClinVar variation 3643693 (VCV003643693.2).

ClinVar aggregate classification (germline): Uncertain significance (1 of 4 stars; one submission).

Conditions:
Sulfite oxidase deficiency due to molybdenum cofactor deficiency type C. Also called: Molybdenum cofactor deficiency, complementation group C; Molybdenum cofactor deficiency C. Identifiers: Orphanet 308400, Orphanet 833, MedGen C1854990, MONDO:0014212, OMIM 615501.

Submission:

Labcorp Genetics (formerly Invitae), Labcorp
Classification: Uncertain significance for Sulfite oxidase deficiency due to molybdenum cofactor deficiency type C. Last evaluated: 2024-10-22. Review status: criteria provided, single submitter. Criteria: Invitae Variant Classification Sherloc (09022015). Collection method: clinical testing. Allele origin: germline.
Comment: This sequence change replaces proline, which is neutral and non-polar, with serine, which is neutral and polar, at codon 400 of the GPHN protein (p.Pro400Ser). This variant is not present in population databases (gnomAD no frequency). This variant has not been reported in the literature in individuals affected with GPHN-related conditions. Invitae Evidence Modeling of protein sequence and biophysical properties (such as structural, functional, and spatial information, amino acid conservation, physicochemical variation, residue mobility, and thermodynamic stability) indicates that this missense variant is not expected to disrupt GPHN protein function with a negative predictive value of 80%. In summary, the available evidence is currently insufficient to determine the role of this variant in disease. Therefore, it has been classified as a Variant of Uncertain Significance.